The following is an entry in ClinVar:

ClinVar aggregate classification (germline): Conflicting classifications of pathogenicity. Review status: criteria provided, conflicting classifications (1 of 4 stars). 4 submissions from 4 submitters: Uncertain significance (1); Likely benign (2). 1 of the submissions does not count toward it. Last evaluated 2026-01-20.

Conditions:
MPDZ-related disorder. Also called: MPDZ-related condition.

Allele frequency attached by ClinVar (database versions not stated): 1000 Genomes Project 0.00040; 1000 Genomes Project 30x 0.00078; gnomAD 0.00172 and 0.00178; ExAC 0.00174; TOPMed 0.00202; ESP Exome Variant Server 0.00251.
gnomAD v4.1: 4,124 of 1,612,108 alleles (0.26%); highest among the groups gnomAD compares: Non-Finnish European, 0.32%; 6 homozygotes.

Submissions (4):

Labcorp Genetics (formerly Invitae), Labcorp
Classification: Likely benign. Last evaluated: 2026-01-20. Review status: criteria provided, single submitter. Criteria: Invitae Variant Classification Sherloc (09022015). Collection method: clinical testing. Allele origin: germline.

CeGaT Center for Human Genetics Tuebingen
Classification: Likely benign. Last evaluated: 2026-01-01. Review status: criteria provided, single submitter. Criteria: CeGaT Center For Human Genetics Tuebingen Variant Classification Criteria Version 2. Collection method: clinical testing. Allele origin: germline. Affected: yes. Observed: 3 variant alleles.
Comment: MPDZ: BS2

Genetic Services Laboratory, University of Chicago
Classification: Uncertain significance. Last evaluated: 2016-12-20. Review status: criteria provided, single submitter. Criteria: ACMG Guidelines, 2015. Collection method: clinical testing. Allele origin: germline. Affected: no.

PreventionGenetics, part of Exact Sciences
Classification: Likely benign for MPDZ-related condition. Last evaluated: 2024-04-17. Review status: no assertion criteria provided. Collection method: clinical testing. Allele origin: germline. Not counted in ClinVar's aggregate classification.
Comment: This variant is classified as likely benign based on ACMG/AMP sequence variant interpretation guidelines (Richards et al. 2015 PMID: 25741868, with internal and published modifications).

NM_001378778.1(MPDZ):c.511C>G (p.Gln171Glu)

Gene: MPDZ (multiple PDZ domain crumbs cell polarity complex component; minus strand). Cytogenetic location: 9p23.
Variant type: single nucleotide variant.
Coding change: c.511C>G on transcript NM_001378778.1 (MANE Select); coding-DNA position 511, C replaced by G.
Protein change: p.Gln171Glu; replaces glutamine 171 with glutamic acid.
Molecular consequence: missense variant.
Genome position (GRCh38, 1-based): chr9:13,223,593, G>C on the plus strand (C>G on the coding strand, the complement: MPDZ is on the minus strand). VCF-style: chr9-13223593-G-C. GRCh37 (hg19) VCF-style: chr9-13223592-G-C.
Other names: c.511C>G, p.Gln171Glu (NM_001261406.2, NM_001261407.2, NM_001330637.2 and 14 more transcripts); short protein forms Q171E.
Identifiers: ClinVar variation 435884 (VCV000435884.38), dbSNP rs181479224, ClinGen allele CA4988106.